The following is an entry in ClinVar:

NM_002471.4(MYH6):c.3343-3del

Gene: MYH6 (myosin heavy chain 6; minus strand). Cytogenetic location: 14q11.2.
Variant type: Deletion.
Coding change: c.3343-3del on transcript NM_002471.4 (MANE Select); 3 bases into the intron before coding-DNA position 3343, one base deleted (C; older notation c.3343-3delC).
Molecular consequence: intron variant.
Genome position (GRCh38, 1-based): chr14:23,390,449, G deleted on the plus strand (C on the coding strand, the reverse complement: MYH6 is on the minus strand); the first of 3 consecutive G bases (chr14:23,390,449-23,390,451); deleting any one gives the same sequence. VCF-style (leftmost placement, unchanged base first): chr14-23390448-TG-T. GRCh37 (hg19) VCF-style: chr14-23859657-TG-T.
Other names: c.3343-3delC (NM_002471.3).
Identifiers: ClinVar variation 414314 (VCV000414314.40), dbSNP rs1027186100, ClinGen allele CA16614474.

ClinVar aggregate classification (germline): Conflicting classifications of pathogenicity. Review status: criteria provided, conflicting classifications (1 of 4 stars). 10 submissions from 10 submitters: Uncertain significance (1); Benign (1); Likely benign (4). 4 of the submissions do not count toward it. Last evaluated 2026-01-11.

Conditions:
Cardiovascular phenotype. Identifiers: MedGen CN230736.
Cardiomyopathy (CMYO). Also called: Cardiomyopathies. Identifiers: Orphanet 167848, MedGen C0878544, MONDO:0004994, HP:0001638. Inheritance: Various modes of inheritance.
Hypertrophic cardiomyopathy 14. Identifiers: MedGen C2750467, MONDO:0013197, OMIM 613251.

Submissions (10):

Labcorp Genetics (formerly Invitae), Labcorp
Classification: Likely benign for Hypertrophic cardiomyopathy 14. Last evaluated: 2026-01-11. Review status: criteria provided, single submitter. Criteria: Invitae Variant Classification Sherloc (09022015). Collection method: clinical testing. Allele origin: germline.

Blueprint Genetics
Classification: Likely benign. Last evaluated: 2024-11-12. Review status: criteria provided, single submitter. Criteria: ACMG Guidelines, 2015. Collection method: clinical testing. Allele origin: germline.

Ambry Genetics
Classification: Likely benign for Cardiovascular phenotype. Last evaluated: 2023-11-28. Review status: criteria provided, single submitter. Criteria: Ambry Variant Classification Scheme 2023. Collection method: clinical testing. Allele origin: germline.

GeneDx
Classification: Likely benign. Last evaluated: 2023-11-03. Review status: criteria provided, single submitter. Criteria: GeneDx Variant Classification Process June 2021. Collection method: clinical testing. Allele origin: germline. Affected: yes.
Comment: See Variant Classification Assertion Criteria.

Women's Health and Genetics/Laboratory Corporation of America, LabCorp
Classification: Benign. Last evaluated: 2021-03-25. Review status: criteria provided, single submitter. Criteria: LabCorp Variant Classification Summary - May 2015. Collection method: clinical testing. Allele origin: germline.
Comment: Variant summary: MYH6 c.3343-3delC alters a conserved nucleotide located close to a canonical splice site and therefore could affect mRNA splicing, leading to a significantly altered protein sequence. 4/4 computational tools predict no significant impact on normal splicing. However, these predictions have yet to be confirmed by functional studies. The variant allele was found at a frequency of 0.00034 in 150902 control chromosomes, predominantly at a frequency of 0.00044 within the Non-Finnish European subpopulation in the gnomAD v3.1.1 database. The observed variant frequency within Non-Finnish European control individuals in the gnomAD database is approximately 18-fold of the estimated maximal expected allele frequency for a pathogenic variant in MYH6 causing Cardiomyopathy phenotype (2.5e-05), strongly suggesting that the variant is a benign polymorphism found primarily in populations of Non-Finnish European origin. To our knowledge, no occurrence of c.3343-3delC in individuals affected with Cardiomyopathy and no experimental evidence demonstrating its impact on protein function have been reported. Three ClinVar submitters (evaluation after 2014) cite the variant as uncertain significance and two ClinVar submitters (evaluation after 2014) cite it as likely benign. Based on the evidence outlined above, the variant was classified as benign.

CHEO Genetics Diagnostic Laboratory, Children's Hospital of Eastern Ontario
Classification: Uncertain significance for Cardiomyopathy. Last evaluated: 2015-09-18. Review status: criteria provided, single submitter. Criteria: ACMG Guidelines, 2015. Collection method: clinical testing. Allele origin: germline. Study: Canadian Open Genetics Repository.

Clinical Genetics DNA and cytogenetics Diagnostics Lab, Erasmus MC, Erasmus Medical Center
Classification: Likely benign. Review status: no assertion criteria provided. Collection method: clinical testing. Allele origin: germline. Affected: yes. Study: VKGL Data-share Consensus. Not counted in ClinVar's aggregate classification.

Clinical Genetics, Academic Medical Center
Classification: Benign. Review status: no assertion criteria provided. Collection method: clinical testing. Allele origin: germline. Affected: yes. Study: VKGL Data-share Consensus. Not counted in ClinVar's aggregate classification.

Diagnostic Laboratory, Department of Genetics, University Medical Center Groningen
Classification: Likely benign. Review status: no assertion criteria provided. Collection method: clinical testing. Allele origin: germline. Affected: yes. Study: VKGL Data-share Consensus. Not counted in ClinVar's aggregate classification.

Joint Genome Diagnostic Labs from Nijmegen and Maastricht, Radboudumc and MUMC+
Classification: Likely benign. Review status: no assertion criteria provided. Collection method: clinical testing. Allele origin: germline. Affected: yes. Study: VKGL Data-share Consensus. Not counted in ClinVar's aggregate classification.